The following is an entry in ClinVar:

ClinVar aggregate classification (germline): Uncertain significance. Review status: criteria provided, single submitter (1 of 4 stars). 2 submissions from 2 submitters: Uncertain significance (1). 1 of the submissions does not count toward it. Last evaluated 2025-12-04.

Conditions:
PLXNA3-related disorder. Also called: PLXNA3-related condition.

gnomAD v4.1: 8 of 1,211,278 alleles (0.00066%); highest among the groups gnomAD compares: Non-Finnish European, 0.00078%; no homozygotes.

Submissions (2):

Clinical Genomics Laboratory, Washington University in St. Louis
Classification: Uncertain significance for PLXNA3-related disorder. Last evaluated: 2025-12-04. Review status: criteria provided, single submitter. Criteria: ACMG Guidelines, 2015. Collection method: clinical testing. Allele origin: germline.
Comment: This variant has been reported in the ClinVar database as a germline variant of uncertain significance by one submitter. This variant is only observed in 1/182,204 alleles in the general population (gnomAD v.2.1.1), indicating it is not a common variant. Computational predictors are uncertain as to the impact of this variant on PLXNA3 function. Due to limited information, the clinical significance of this variant is uncertain.

PreventionGenetics, part of Exact Sciences
Classification: Uncertain significance for PLXNA3-related condition. Last evaluated: 2024-01-23. Review status: no assertion criteria provided. Collection method: clinical testing. Allele origin: germline. Not counted in ClinVar's aggregate classification.
Comment: The PLXNA3 c.5023A>G variant is predicted to result in the amino acid substitution p.Thr1675Ala. This variant was reported in a hemizygous individual with a neurodevelopmental disorder phenotype who inherited the variant from their mother (Steele et al 2022. PubMed ID: 34740135). This variant is reported in 0.0012% of alleles in individuals of European (Non-Finnish) descent in gnomAD. At this time, the clinical significance of this variant is uncertain due to the absence of conclusive functional and genetic evidence.

Literature cited by the submitters: PubMed 25961944 (cited by Clinical Genomics Laboratory, Washington University in St. Louis); PubMed 23092983 (cited by Clinical Genomics Laboratory, Washington University in St. Louis); PubMed 34740135 (cited by Clinical Genomics Laboratory, Washington University in St. Louis); PubMed 33994118 (cited by Clinical Genomics Laboratory, Washington University in St. Louis); PubMed 33860439 (cited by Clinical Genomics Laboratory, Washington University in St. Louis).

NM_017514.5(PLXNA3):c.5023A>G (p.Thr1675Ala)

Gene: PLXNA3 (plexin A3; plus strand). Cytogenetic location: Xq28.
Variant type: single nucleotide variant.
Coding change: c.5023A>G on transcript NM_017514.5 (MANE Select); coding-DNA position 5023, A replaced by G.
Protein change: p.Thr1675Ala; replaces threonine 1675 with alanine.
Molecular consequence: missense variant.
Genome position (GRCh38, 1-based): chrX:154,470,478, A>G. VCF-style: chrX-154470478-A-G. GRCh37 (hg19) VCF-style: chrX-153698821-A-G.
Other names: short protein forms T1675A.
Identifiers: ClinVar variation 3356404 (VCV003356404.2).